The following is an entry in ClinVar:

ClinVar aggregate classification (germline): Likely benign. Review status: criteria provided, single submitter (1 of 4 stars). 2 submissions from 2 submitters: Likely benign (1). 1 of the submissions does not count toward it. Last evaluated 2025-12-14.

Conditions:
SON-related disorder. Also called: SON-related condition.

Allele frequency attached by ClinVar (database versions not stated): ExAC 0.00011; gnomAD exomes 0.00016; ESP Exome Variant Server 0.00031; gnomAD 0.00039; TOPMed 0.00046; 1000 Genomes Project 30x 0.00094; 1000 Genomes Project 0.00100.
gnomAD v4.1: 155 of 1,614,100 alleles (0.0096%); highest among the groups gnomAD compares: African/African-American, 0.16%; no homozygotes.

Submissions (2):

Labcorp Genetics (formerly Invitae), Labcorp
Classification: Likely benign. Last evaluated: 2025-12-14. Review status: criteria provided, single submitter. Criteria: Invitae Variant Classification Sherloc (09022015). Collection method: clinical testing. Allele origin: germline.

PreventionGenetics, part of Exact Sciences
Classification: Likely benign for SON-related condition. Last evaluated: 2019-05-28. Review status: no assertion criteria provided. Collection method: clinical testing. Allele origin: germline. Not counted in ClinVar's aggregate classification.
Comment: This variant is classified as likely benign based on ACMG/AMP sequence variant interpretation guidelines (Richards et al. 2015 PMID: 25741868, with internal and published modifications).

NM_138927.4(SON):c.4284A>G (p.Gln1428=)

Gene: SON (SON DNA and RNA binding protein; plus strand). Cytogenetic location: 21q22.11.
Variant type: single nucleotide variant.
Coding change: c.4284A>G on transcript NM_138927.4 (MANE Select); coding-DNA position 4284, A replaced by G.
Protein change: p.Gln1428=; no amino-acid change (glutamine 1428 retained).
Molecular consequence: synonymous variant. On other transcripts: non-coding transcript variant (1), intron variant (1).
Genome position (GRCh38, 1-based): chr21:33,553,515, A>G. VCF-style: chr21-33553515-A-G. GRCh37 (hg19) VCF-style: chr21-34925821-A-G.
Other names: c.4284A>G (NM_138927.2); c.4284A>G, p.Gln1428= (NM_001291411.2, NM_032195.3); c.245-3641A>G (NM_001291412.3).
Identifiers: ClinVar variation 747486 (VCV000747486.11), dbSNP rs148534511, ClinGen allele CA10009502.